The following is an entry in ClinVar:

ClinVar aggregate classification (germline): Uncertain significance. Review status: criteria provided, multiple submitters, no conflicts (2 of 4 stars). 2 submissions from 2 submitters: Uncertain significance (2). Last evaluated 2023-12-29.

Conditions:
Severe combined immunodeficiency due to DNA-PKcs deficiency. Also called: IMMUNODEFICIENCY 26 WITH NEUROLOGIC ABNORMALITIES; Immunodeficiency 26 with or without neurologic abnormalities. Identifiers: Orphanet 317425, MedGen C4014833, MONDO:0014423, OMIM 615966.

Allele frequency attached by ClinVar (database versions not stated): TOPMed below 0.00001.

Submissions (2):

Ambry Genetics
Classification: Uncertain significance. Last evaluated: 2023-12-29. Review status: criteria provided, single submitter. Criteria: Ambry Variant Classification Scheme 2023. Collection method: clinical testing. Allele origin: germline.
Comment: The p.K1119N variant (also known as c.3357G>T), located in coding exon 28 of the PRKDC gene, results from a G to T substitution at nucleotide position 3357. The lysine at codon 1119 is replaced by asparagine, an amino acid with similar properties. This amino acid position is conserved. In addition, this alteration is predicted to be tolerated by in silico analysis. Since supporting evidence is limited at this time, the clinical significance of this alteration remains unclear.

Labcorp Genetics (formerly Invitae), Labcorp
Classification: Uncertain significance for Severe combined immunodeficiency due to DNA-PKcs deficiency. Last evaluated: 2022-07-05. Review status: criteria provided, single submitter. Criteria: Invitae Variant Classification Sherloc (09022015). Collection method: clinical testing. Allele origin: germline.
Comment: In summary, the available evidence is currently insufficient to determine the role of this variant in disease. Therefore, it has been classified as a Variant of Uncertain Significance. Experimental studies and prediction algorithms are not available or were not evaluated, and the functional significance of this variant is currently unknown. ClinVar contains an entry for this variant (Variation ID: 1525730). This variant has not been reported in the literature in individuals affected with PRKDC-related conditions. This variant is not present in population databases (gnomAD no frequency). This sequence change replaces lysine with asparagine at codon 1119 of the PRKDC protein (p.Lys1119Asn). The lysine residue is highly conserved and there is a moderate physicochemical difference between lysine and asparagine.

NM_006904.7(PRKDC):c.3357G>T (p.Lys1119Asn)

Gene: PRKDC (protein kinase, DNA-activated, catalytic subunit; minus strand). Cytogenetic location: 8q11.21.
Variant type: single nucleotide variant.
Coding change: c.3357G>T on transcript NM_006904.7 (MANE Select); coding-DNA position 3357, G replaced by T.
Protein change: p.Lys1119Asn; replaces lysine 1119 with asparagine.
Molecular consequence: missense variant.
Genome position (GRCh38, 1-based): chr8:47,900,380, C>A on the plus strand (G>T on the coding strand, the complement: PRKDC is on the minus strand). VCF-style: chr8-47900380-C-A. GRCh37 (hg19) VCF-style: chr8-48812940-C-A.
Other names: c.3357G>T (NM_006904.6); c.3357G>T, p.Lys1119Asn (NM_001081640.2); short protein forms K1119N.
Identifiers: ClinVar variation 1525730 (VCV001525730.7), dbSNP rs2089657258, ClinGen allele CA371155466.